The following is an entry in ClinVar:

ClinVar aggregate classification (germline): Uncertain significance. Review status: criteria provided, multiple submitters, no conflicts (2 of 4 stars). 2 submissions from 2 submitters: Uncertain significance (2). Last evaluated 2022-08-22.

Allele frequency attached by ClinVar (database versions not stated): gnomAD 0.00001; gnomAD exomes 0.00001; TOPMed 0.00001.

Submissions (2):

Labcorp Genetics (formerly Invitae), Labcorp
Classification: Uncertain significance. Last evaluated: 2022-08-22. Review status: criteria provided, single submitter. Criteria: Invitae Variant Classification Sherloc (09022015). Collection method: clinical testing. Allele origin: germline.
Comment: This sequence change replaces arginine, which is basic and polar, with tryptophan, which is neutral and slightly polar, at codon 93 of the LAT protein (p.Arg93Trp). This variant is present in population databases (no rsID available, gnomAD 0.004%). This variant has not been reported in the literature in individuals affected with LAT-related conditions. Algorithms developed to predict the effect of missense changes on protein structure and function (SIFT, PolyPhen-2, Align-GVGD) all suggest that this variant is likely to be disruptive. In summary, the available evidence is currently insufficient to determine the role of this variant in disease. Therefore, it has been classified as a Variant of Uncertain Significance.

Ambry Genetics
Classification: Uncertain significance. Last evaluated: 2022-07-20. Review status: criteria provided, single submitter. Criteria: Ambry Variant Classification Scheme 2023. Collection method: clinical testing. Allele origin: germline.

NM_001014987.2(LAT):c.277C>T (p.Arg93Trp)

Gene: LAT (linker for activation of T cells; plus strand). Cytogenetic location: 16p11.2.
Variant type: single nucleotide variant.
Coding change: c.277C>T on transcript NM_001014987.2 (MANE Select); coding-DNA position 277, C replaced by T.
Protein change: p.Arg93Trp; replaces arginine 93 with tryptophan.
Molecular consequence: missense variant.
Genome position (GRCh38, 1-based): chr16:28,986,413, C>T. VCF-style: chr16-28986413-C-T. GRCh37 (hg19) VCF-style: chr16-28997734-C-T.
Other names: c.274C>T, p.Arg92Trp (NM_001014988.2); c.385C>T, p.Arg129Trp (NM_001014989.2); c.277C>T, p.Arg93Trp (NM_014387.4); c.385C>T (NM_001014989.1); short protein forms R129W, R92W, R93W.
Identifiers: ClinVar variation 2143804 (VCV002143804.2), dbSNP rs1374949055, ClinGen allele CA395440624.
Genomic context (GRCh38, chr16:28,986,413, plus strand): 5'-AGGCATGACCCCTGACCTTTGACTCCCAGAAGATCCCCGCAGCCCCTTGGGGGCTCCCAC[C>T]GGACGCCATCTTCCCGGCGGGATTCTGATGGTGGTAAGTGTGGGGAAGGGTTCAGGCGGC-3'
Protein context (NP_001014987.1, residues 83-103): RSPQPLGGSH[Arg93Trp]TPSSRRDSDG